The following is an entry in ClinVar:

ClinVar aggregate classification (germline): Pathogenic (1 of 4 stars; one submission).

Conditions:
PNPLA6-related disorder. Also called: PNPLA6-related disorders; PNPLA6-related condition.

Submission:

Women's Health and Genetics/Laboratory Corporation of America, LabCorp
Classification: Pathogenic for PNPLA6-Related Disorders. Last evaluated: 2026-05-14. Review status: criteria provided, single submitter. Criteria: LabCorp Variant Classification Summary - May 2015. Collection method: clinical testing. Allele origin: germline.
Comment: Variant summary: PNPLA6 c.2445G>A (p.Trp815X) results in a premature termination codon, predicted to cause a truncation of the encoded protein or absence of the protein due to nonsense mediated decay, which are commonly known mechanisms for disease. The variant was absent in 250730 control chromosomes. To our knowledge, no occurrence of c.2445G>A in individuals affected with PNPLA6-related conditions and no experimental evidence demonstrating its impact on protein function have been reported. No submitters have cited clinical-significance assessments for this variant to ClinVar. Based on the evidence outlined above, the variant was classified as pathogenic.

NM_001166114.2(PNPLA6):c.2559G>A (p.Trp853Ter)

Gene: PNPLA6 (patatin like domain 6, lysophospholipase; plus strand). Cytogenetic location: 19p13.2.
Variant type: single nucleotide variant.
Coding change: c.2559G>A on transcript NM_001166114.2 (MANE Select); coding-DNA position 2559, G replaced by A.
Protein change: p.Trp853Ter; replaces tryptophan 853 with a stop codon.
Molecular consequence: nonsense.
Genome position (GRCh38, 1-based): chr19:7,554,648, G>A. VCF-style: chr19-7554648-G-A. GRCh37 (hg19) VCF-style: chr19-7619534-G-A.
Other names: c.2589G>A, p.Trp863Ter (NM_001166111.2); c.2364G>A, p.Trp788Ter (NM_001166112.2); c.2445G>A, p.Trp815Ter (NM_001166113.1, NM_006702.5); short protein forms W788*, W815*, W853*, W863*.
Identifiers: ClinVar variation 4853085 (VCV004853085.1).